The following is an entry in ClinVar:

ClinVar aggregate classification (germline): Uncertain significance (1 of 4 stars; one submission).

Submission:

Ambry Genetics
Classification: Uncertain significance. Last evaluated: 2024-04-11. Review status: criteria provided, single submitter. Criteria: Ambry Variant Classification Scheme 2023. Collection method: clinical testing. Allele origin: germline.
Comment: The p.L1881P variant (also known as c.5642T>C), located in coding exon 7 of the ALPK2 gene, results from a T to C substitution at nucleotide position 5642. The leucine at codon 1881 is replaced by proline, an amino acid with similar properties. This amino acid position is conserved. In addition, this alteration is predicted to be tolerated by in silico analysis. Based on the available evidence, the clinical significance of this variant remains unclear.

NM_052947.4(ALPK2):c.5642T>C (p.Leu1881Pro)

Gene: ALPK2 (alpha kinase 2; minus strand). Cytogenetic location: 18q21.31.
Variant type: single nucleotide variant.
Coding change: c.5642T>C on transcript NM_052947.4 (MANE Select); coding-DNA position 5642, T replaced by C.
Protein change: p.Leu1881Pro; replaces leucine 1881 with proline.
Molecular consequence: missense variant.
Genome position (GRCh38, 1-based): chr18:58,523,829, A>G on the plus strand (T>C on the coding strand, the complement: ALPK2 is on the minus strand). VCF-style: chr18-58523829-A-G. GRCh37 (hg19) VCF-style: chr18-56191061-A-G.
Other names: short protein forms L1881P.
Identifiers: ClinVar variation 3290038 (VCV003290038.1).